The following is an entry in ClinVar:

ClinVar aggregate classification (germline): Uncertain significance (1 of 4 stars; one submission).

Conditions:
Peroxisome biogenesis disorder 5A (Zellweger) (PBD5A). Identifiers: Orphanet 912, MedGen C3553940, MONDO:0013932, OMIM 614866.

Allele frequency attached by ClinVar (database versions not stated): gnomAD exomes below 0.00001.
gnomAD v4.1: 2 of 1,614,054 alleles (0.00012%); highest among the groups gnomAD compares: Non-Finnish European, 0.000085%; no homozygotes.

Submission:

Labcorp Genetics (formerly Invitae), Labcorp
Classification: Uncertain significance for Peroxisome biogenesis disorder 5A (Zellweger). Last evaluated: 2022-08-16. Review status: criteria provided, single submitter. Criteria: Invitae Variant Classification Sherloc (09022015). Collection method: clinical testing. Allele origin: germline.
Comment: This sequence change replaces alanine, which is neutral and non-polar, with valine, which is neutral and non-polar, at codon 107 of the PEX2 protein (p.Ala107Val). This variant is not present in population databases (gnomAD no frequency). This variant has not been reported in the literature in individuals affected with PEX2-related conditions. In summary, the available evidence is currently insufficient to determine the role of this variant in disease. Therefore, it has been classified as a Variant of Uncertain Significance. Algorithms developed to predict the effect of missense changes on protein structure and function are either unavailable or do not agree on the potential impact of this missense change (SIFT: "Tolerated"; PolyPhen-2: "Possibly Damaging"; Align-GVGD: "Class C0"). ClinVar contains an entry for this variant (Variation ID: 1513354).

NM_000318.3(PEX2):c.320C>T (p.Ala107Val)

Gene: PEX2 (peroxisomal biogenesis factor 2; minus strand). Cytogenetic location: 8q21.13.
Variant type: single nucleotide variant.
Coding change: c.320C>T on transcript NM_000318.3 (MANE Select); coding-DNA position 320, C replaced by T.
Protein change: p.Ala107Val; replaces alanine 107 with valine.
Molecular consequence: missense variant.
Genome position (GRCh38, 1-based): chr8:76,983,859, G>A on the plus strand (C>T on the coding strand, the complement: PEX2 is on the minus strand). VCF-style: chr8-76983859-G-A. GRCh37 (hg19) VCF-style: chr8-77896095-G-A.
Other names: c.320C>T, p.Ala107Val (NM_001079867.2, NM_001172086.2, NM_001172087.2); short protein forms A107V.
Identifiers: ClinVar variation 1513354 (VCV001513354.8), dbSNP rs2132044318, ClinGen allele CA371557601.
Genomic context (GRCh38, chr8:76,983,859, plus strand): 5'-TGGTTTCGAAACAAATCATAGCATCGTTCTTCTAACCACCTGCCACCAATTGTACAAACA[G>A]CATACCAGATTTTTTGATTTTTACTGGGTGGCTGATATCTCAGGTTAGGGGAAAAATCAT-3'
Protein context (NP_000309.2, residues 97-117): PPSKNQKIWY[Ala107Val]VCTIGGRWLE